The following is an entry in ClinVar:

NM_018451.5(CPAP):c.1021T>G (p.Tyr341Asp)

Gene: CPAP (centrosome assembly and centriole elongation protein; minus strand). Cytogenetic location: 13q12.13.
Variant type: single nucleotide variant.
Coding change: c.1021T>G on transcript NM_018451.5 (MANE Select); coding-DNA position 1021, T replaced by G.
Protein change: p.Tyr341Asp; replaces tyrosine 341 with aspartic acid.
Molecular consequence: missense variant. On other transcripts: non-coding transcript variant (2).
Genome position (GRCh38, 1-based): chr13:24,907,147, A>C on the plus strand (T>G on the coding strand, the complement: CPAP is on the minus strand). VCF-style: chr13-24907147-A-C. GRCh37 (hg19) VCF-style: chr13-25481285-A-C.
Other names: short protein forms Y341D.
Identifiers: ClinVar variation 210653 (VCV000210653.71), dbSNP rs143258862, ClinGen allele CA206730.

ClinVar aggregate classification (germline): Conflicting classifications of pathogenicity. Review status: criteria provided, conflicting classifications (1 of 4 stars). 11 submissions from 10 submitters: Uncertain significance (4); Likely benign (4). 3 of the submissions do not count toward it. Last evaluated 2026-09-01.

Conditions:
CENPJ-related disorder. Also called: CENPJ-related disorders; CENPJ-related condition.
Seckel syndrome 4 (SCKL4). Identifiers: Orphanet 808, MedGen C3888212, MONDO:0013358, OMIM 613676.
Microcephaly 6, primary, autosomal recessive. Identifiers: Orphanet 2512, MedGen C1842109, MONDO:0012029, OMIM 608393.

Allele frequency attached by ClinVar (database versions not stated): 1000 Genomes Project 30x 0.00031; 1000 Genomes Project 0.00040; ExAC 0.00141; gnomAD exomes 0.00150 and 0.00270; gnomAD 0.00170; TOPMed 0.00172; ESP Exome Variant Server 0.00254.
gnomAD v4.1: 4,139 of 1,613,930 alleles (0.26%); highest among the groups gnomAD compares: Non-Finnish European, 0.33%; 5 homozygotes.

Submissions (11):

CeGaT Center for Human Genetics Tuebingen
Classification: Likely benign. Last evaluated: 2026-09-01. Review status: criteria provided, single submitter. Criteria: CeGaT Center For Human Genetics Tuebingen Variant Classification Criteria Version 2. Collection method: clinical testing. Allele origin: germline. Affected: yes. Observed: 4 variant alleles.
Comment: CPAP: BP4

Labcorp Genetics (formerly Invitae), Labcorp
Classification: Likely benign. Last evaluated: 2026-02-02. Review status: criteria provided, single submitter. Criteria: Invitae Variant Classification Sherloc (09022015). Collection method: clinical testing. Allele origin: germline.

Blueprint Genetics
Classification: Likely benign. Last evaluated: 2024-11-27. Review status: criteria provided, single submitter. Criteria: ACMG Guidelines, 2015. Collection method: clinical testing. Allele origin: germline.

GeneDx
Classification: Likely benign. Last evaluated: 2022-07-05. Review status: criteria provided, single submitter. Criteria: GeneDx Variant Classification Process June 2021. Collection method: clinical testing. Allele origin: germline. Affected: yes.
Comment: See Variant Classification Assertion Criteria.

Illumina Laboratory Services, Illumina
Classification: Uncertain significance for Microcephaly 6, primary, autosomal recessive. Last evaluated: 2018-01-13. Review status: criteria provided, single submitter. Criteria: ICSL Variant Classification Criteria 13 December 2019. Collection method: clinical testing. Allele origin: germline.

Illumina Laboratory Services, Illumina
Classification: Uncertain significance for Seckel syndrome 4. Last evaluated: 2018-01-13. Review status: criteria provided, single submitter. Criteria: ICSL Variant Classification Criteria 13 December 2019. Collection method: clinical testing. Allele origin: germline.

Eurofins Ntd Llc (ga)
Classification: Uncertain significance. Last evaluated: 2017-04-28. Review status: criteria provided, single submitter. Criteria: EGL Classification Definitions 2015. Collection method: clinical testing. Allele origin: germline. Observed: 3 variant alleles, 3 heterozygotes.

Genetic Services Laboratory, University of Chicago
Classification: Uncertain significance. Last evaluated: 2014-12-05. Review status: criteria provided, single submitter. Criteria: ACMG Guidelines, 2015. Collection method: clinical testing. Allele origin: germline.

PreventionGenetics, part of Exact Sciences
Classification: Likely benign for CENPJ-related condition. Last evaluated: 2021-02-05. Review status: no assertion criteria provided. Collection method: clinical testing. Allele origin: germline. Not counted in ClinVar's aggregate classification.
Comment: This variant is classified as likely benign based on ACMG/AMP sequence variant interpretation guidelines (Richards et al. 2015 PMID: 25741868, with internal and published modifications).

Clinical Genetics DNA and cytogenetics Diagnostics Lab, Erasmus MC, Erasmus Medical Center
Classification: Uncertain significance. Review status: no assertion criteria provided. Collection method: clinical testing. Allele origin: germline. Affected: yes. Study: VKGL Data-share Consensus. Not counted in ClinVar's aggregate classification.

Laboratory of Diagnostic Genome Analysis, Leiden University Medical Center (LUMC)
Classification: Uncertain significance. Review status: no assertion criteria provided. Collection method: clinical testing. Allele origin: germline. Affected: yes. Study: VKGL Data-share Consensus. Not counted in ClinVar's aggregate classification.